The following is an entry in ClinVar:

ClinVar aggregate classification (germline): Conflicting classifications of pathogenicity. Review status: criteria provided, conflicting classifications (1 of 4 stars). 4 submissions from 2 submitters: Uncertain significance (1); Benign (1); Likely benign (2). Last evaluated 2021-08-02.

Conditions:
Hereditary spherocytosis type 4. Also called: SLC4A1-Related Spherocytosis. Identifiers: Orphanet 822, MedGen C2675212, MONDO:0012981, OMIM 612653.
Autosomal dominant distal renal tubular acidosis (DRTA1). Also called: RTA, CLASSIC TYPE; RTA, DISTAL TYPE, AUTOSOMAL DOMINANT; RTA, GRADIENT TYPE; Renal Tubular Acidosis, Type I; RENAL TUBULAR ACIDOSIS, DISTAL, 1. Identifiers: Orphanet 93608, MedGen CN280572, MONDO:0008368, OMIM 179800.
Hemolytic anemia. Identifiers: MedGen C0002878, MONDO:0003664, HP:0001878.

Allele frequency attached by ClinVar (database versions not stated): gnomAD 0.00016 and 0.00017; TOPMed 0.00016; gnomAD exomes 0.00033; 1000 Genomes Project 0.00040; 1000 Genomes Project 30x 0.00062.
gnomAD v4.1: 306 of 985,352 alleles (0.031%); highest among the groups gnomAD compares: Admixed American, 0.08%; no homozygotes.

Submissions (4):

Mayo Clinic Laboratories, Mayo Clinic
Classification: Uncertain significance. Last evaluated: 2021-08-02. Review status: criteria provided, single submitter. Criteria: ACMG Guidelines, 2015. Collection method: clinical testing. Allele origin: germline.

Illumina Laboratory Services, Illumina
Classification: Likely benign for Hemolytic anemia. Last evaluated: 2018-01-13. Review status: criteria provided, single submitter. Criteria: ICSL Variant Classification Criteria 13 December 2019. Collection method: clinical testing. Allele origin: germline.
Comment: This variant was observed in the ICSL laboratory as part of a predisposition screen in an ostensibly healthy population. It had not been previously curated by ICSL or reported in the Human Gene Mutation Database (HGMD: prior to June 1st, 2018), and was therefore a candidate for classification through an automated scoring system. Utilizing variant allele frequency, disease prevalence and penetrance estimates, and inheritance mode, an automated score was calculated to assess if this variant is too frequent to cause the disease. Based on the score and internal cut-off values, a variant classified as likely benign is not then subjected to further curation. The score for this variant resulted in a classification of likely benign for this disease.

Illumina Laboratory Services, Illumina
Classification: Benign for Autosomal dominant distal renal tubular acidosis. Last evaluated: 2018-01-13. Review status: criteria provided, single submitter. Criteria: ICSL Variant Classification Criteria 13 December 2019. Collection method: clinical testing. Allele origin: germline.
Comment: This variant was observed in the ICSL laboratory as part of a predisposition screen in an ostensibly healthy population. It had not been previously curated by ICSL or reported in the Human Gene Mutation Database (HGMD: prior to June 1st, 2018), and was therefore a candidate for classification through an automated scoring system. Utilizing variant allele frequency, disease prevalence and penetrance estimates, and inheritance mode, an automated score was calculated to assess if this variant is too frequent to cause the disease. Based on the score and internal cut-off values, a variant classified as benign is not then subjected to further curation. The score for this variant resulted in a classification of benign for this disease.

Illumina Laboratory Services, Illumina
Classification: Likely benign for Hereditary spherocytosis type 4. Last evaluated: 2018-01-13. Review status: criteria provided, single submitter. Criteria: ICSL Variant Classification Criteria 13 December 2019. Collection method: clinical testing. Allele origin: germline.
Comment: the same text as in the submission from Illumina Laboratory Services, Illumina above.

NM_000342.4(SLC4A1):c.-136C>T

Gene: SLC4A1 (solute carrier family 4 member 1 (Diego blood group); minus strand). Cytogenetic location: 17q21.31.
Variant type: single nucleotide variant.
Coding change: c.-136C>T on transcript NM_000342.4 (MANE Select); 136 bases upstream of the start codon, C replaced by T.
Molecular consequence: 5 prime UTR variant.
Genome position (GRCh38, 1-based): chr17:44,268,121, G>A on the plus strand (C>T on the coding strand, the complement: SLC4A1 is on the minus strand). VCF-style: chr17-44268121-G-A. GRCh37 (hg19) VCF-style: chr17-42345489-G-A.
Identifiers: ClinVar variation 323525 (VCV000323525.9), dbSNP rs566359654, ClinGen allele CA10645809.